The following is an entry in ClinVar:

ClinVar aggregate classification (germline): Likely pathogenic. Review status: criteria provided, multiple submitters, no conflicts (2 of 4 stars). 4 submissions from 4 submitters: Likely pathogenic (4). Last evaluated 2025-06-05.

Conditions:
Pontocerebellar hypoplasia type 6 (PCH6). Identifiers: Orphanet 166073, MedGen C1969084, MONDO:0012683, OMIM 611523.

Allele frequency attached by ClinVar (database versions not stated): gnomAD exomes below 0.00001; ExAC 0.00001; gnomAD 0.00001; TOPMed 0.00001.
gnomAD v4.1: 2 of 1,613,982 alleles (0.00012%); highest among the groups gnomAD compares: Non-Finnish European, 0.00017%; no homozygotes.

Submissions (5):

Natera, Inc.
Classification: Likely pathogenic for Pontocerebellar hypoplasia, type 6. Last evaluated: 2025-06-05. Review status: criteria provided, single submitter. Criteria: Natera Variant Classification Schema (03/2026). Collection method: clinical testing. Allele origin: germline.
Comment: The c.771+2T>G variant in RARS2 is a canonical splice donor site variant predicted to affect pre-mRNA splicing, which may result in an abnormal transcript and altered protein product. This variant is expected to result in nonsense mediated decay, truncation, or a dysfunctional protein product. This variant is rare in the general population with a frequency below the threshold expected for the associated phenotype(s). Given the available evidence, this variant is classified as Likely Pathogenic.

Fulgent Genetics
Classification: Likely pathogenic for Pontocerebellar hypoplasia type 6. Last evaluated: 2024-03-13. Review status: criteria provided, single submitter. Criteria: ACMG Guidelines, 2015. Collection method: clinical testing. Allele origin: germline.

Baylor Genetics
Classification: Likely pathogenic for Pontocerebellar hypoplasia type 6. Last evaluated: 2024-02-08. Review status: criteria provided, single submitter. Criteria: ACMG Guidelines, 2015. Collection method: clinical testing. Allele origin: unknown.

Labcorp Genetics (formerly Invitae), Labcorp
Classification: Likely pathogenic. Last evaluated: 2021-07-06. Review status: criteria provided, single submitter. Criteria: Invitae Variant Classification Sherloc (09022015). Collection method: clinical testing. Allele origin: germline.
Comment: In summary, the currently available evidence indicates that the variant is pathogenic, but additional data are needed to prove that conclusively. Therefore, this variant has been classified as Likely Pathogenic. Algorithms developed to predict the effect of sequence changes on RNA splicing suggest that this variant may disrupt the consensus splice site. This variant has not been reported in the literature in individuals affected with RARS2-related conditions. This variant is present in population databases (rs771801398, ExAC 0.001%). This sequence change affects a donor splice site in intron 9 of the RARS2 gene. It is expected to disrupt RNA splicing. Variants that disrupt the donor or acceptor splice site typically lead to a loss of protein function (PMID: 16199547), and loss-of-function variants in RARS2 are known to be pathogenic (PMID: 17847012, 22569581, 26083569).

Dr. Peter K. Rogan Lab, Western University
No classification provided (evidence only). Condition: Cervical cancer. Review status: no classification provided. Collection method: in vitro. Allele origin: not applicable. Functional consequence: skipped exon. Not counted in ClinVar's aggregate classification.

Literature cited by the submitters: PubMed 16199547 (cited by Labcorp Genetics (formerly Invitae), Labcorp); PubMed 17847012 (cited by Labcorp Genetics (formerly Invitae), Labcorp); PubMed 22569581 (cited by Labcorp Genetics (formerly Invitae), Labcorp); PubMed 26083569 (cited by Labcorp Genetics (formerly Invitae), Labcorp).

NM_020320.5(RARS2):c.771+2T>G

Gene: RARS2 (arginyl-tRNA synthetase 2, mitochondrial; minus strand). Cytogenetic location: 6q15.
Variant type: single nucleotide variant.
Coding change: c.771+2T>G on transcript NM_020320.5 (MANE Select); the canonical splice donor site of the intron after coding-DNA position 771, T replaced by G.
Molecular consequence: splice donor variant.
Genome position (GRCh38, 1-based): chr6:87,530,782, A>C on the plus strand (T>G on the coding strand, the complement: RARS2 is on the minus strand). VCF-style: chr6-87530782-A-C. GRCh37 (hg19) VCF-style: chr6-88240500-A-C.
Other names: c.771+2T>G (NM_001350505.2, NM_020320.4); c.246+2T>G (NM_001350509.2, NM_001318785.2, NM_001350506.2 and 4 more transcripts).
Identifiers: ClinVar variation 1505617 (VCV001505617.11), dbSNP rs771801398, ClinGen allele CA3916530.